The following is an entry in ClinVar:

ClinVar aggregate classification (germline): Conflicting classifications of pathogenicity. Review status: criteria provided, conflicting classifications (1 of 4 stars). 2 submissions from 2 submitters: Uncertain significance (1); Likely benign (1). Last evaluated 2026-06-22.

Conditions:
Tuberous sclerosis 1 (TSC1). Identifiers: Orphanet 805, MedGen C1854465, MONDO:0008612, OMIM 191100.
Hereditary cancer-predisposing syndrome. Also called: Hereditary neoplastic syndrome; Hereditary Cancer Syndrome; Neoplastic Syndromes, Hereditary; Tumor predisposition. Identifiers: Orphanet 140162, MedGen C0027672, MeSH D009386, MONDO:0015356.

Submissions (2):

Ambry Genetics
Classification: Likely benign for Hereditary cancer-predisposing syndrome. Last evaluated: 2026-06-22. Review status: criteria provided, single submitter. Criteria: Ambry Variant Classification Scheme 2023. Collection method: clinical testing. Allele origin: germline.

Labcorp Genetics (formerly Invitae), Labcorp
Classification: Uncertain significance for Tuberous sclerosis 1. Last evaluated: 2024-12-17. Review status: criteria provided, single submitter. Criteria: Invitae Variant Classification Sherloc (09022015). Collection method: clinical testing. Allele origin: germline.
Comment: This sequence change replaces valine, which is neutral and non-polar, with isoleucine, which is neutral and non-polar, at codon 498 of the TSC1 protein (p.Val498Ile). This variant is not present in population databases (gnomAD no frequency). This variant has not been reported in the literature in individuals affected with TSC1-related conditions. ClinVar contains an entry for this variant (Variation ID: 2625202). Invitae Evidence Modeling of protein sequence and biophysical properties (such as structural, functional, and spatial information, amino acid conservation, physicochemical variation, residue mobility, and thermodynamic stability) indicates that this missense variant is not expected to disrupt TSC1 protein function with a negative predictive value of 95%. In summary, the available evidence is currently insufficient to determine the role of this variant in disease. Therefore, it has been classified as a Variant of Uncertain Significance.

NM_000368.5(TSC1):c.1492G>A (p.Val498Ile)

Gene: TSC1 (TSC complex subunit 1; minus strand). Cytogenetic location: 9q34.13.
Variant type: single nucleotide variant.
Coding change: c.1492G>A on transcript NM_000368.5 (MANE Select); coding-DNA position 1492, G replaced by A.
Protein change: p.Val498Ile; replaces valine 498 with isoleucine.
Molecular consequence: missense variant. On other transcripts: non-coding transcript variant (5).
Genome position (GRCh38, 1-based): chr9:132,906,086, C>T on the plus strand (G>A on the coding strand, the complement: TSC1 is on the minus strand). VCF-style: chr9-132906086-C-T. GRCh37 (hg19) VCF-style: chr9-135781473-C-T.
Other names: c.1339G>A, p.Val447Ile (NM_001406610.1, NM_001162427.2); c.1336G>A, p.Val446Ile (NM_001406611.1, NM_001406612.1, NM_001406613.1); c.1129G>A, p.Val377Ile (NM_001406614.1, NM_001406615.1, NM_001406616.1 and 5 more transcripts); c.1492G>A, p.Val498Ile (NM_001406601.1, NM_001406602.1, NM_001406605.1 and 7 more transcripts); c.1489G>A, p.Val497Ile (NM_001406603.1, NM_001406604.1, NM_001406608.1 and 6 more transcripts); c.1126G>A, p.Val376Ile (NM_001406620.1, NM_001406621.1, NM_001406622.1 and 2 more transcripts); c.541G>A, p.Val181Ile (NM_001406626.1); c.538G>A, p.Val180Ile (NM_001406627.1, NM_001406628.1); and 1 more; short protein forms V180I, V377I, V446I, V447I, V497I, V498I, V147I, V181I.
Identifiers: ClinVar variation 2625202 (VCV002625202.6), dbSNP rs2131847299, ClinGen allele CA375365404.
Genomic context (GRCh38, chr9:132,906,086, plus strand): 5'-TCCGCTGAGAACCTGGGAGACTGTCTCGGTAAAAGGGAGAGTCAAAGCCTCCTCGAGGAA[C>T]CACAGGCTCTGCCTCTGCTGTGGTGATCTCAGAAAGTTCTCTAGATATTGCAGCTGAGAG-3'
Protein context (NP_000359.1, residues 488-508): EITTAEAEPV[Val498Ile]PRGGFDSPFY